The following is an entry in ClinVar:

ClinVar aggregate classification (germline): Uncertain significance (1 of 4 stars; one submission).

gnomAD v4.1: 7 of 1,614,068 alleles (0.00043%); highest among the groups gnomAD compares: Middle Eastern, 0.033%; no homozygotes.

Submission:

Labcorp Genetics (formerly Invitae), Labcorp
Classification: Uncertain significance. Last evaluated: 2024-05-31. Review status: criteria provided, single submitter. Criteria: Invitae Variant Classification Sherloc (09022015). Collection method: clinical testing. Allele origin: germline.
Comment: This sequence change replaces cysteine, which is neutral and slightly polar, with serine, which is neutral and polar, at codon 459 of the SLC7A14 protein (p.Cys459Ser). This variant is not present in population databases (gnomAD no frequency). This variant has not been reported in the literature in individuals affected with SLC7A14-related conditions. Algorithms developed to predict the effect of missense changes on protein structure and function output the following: SIFT: "Not Available"; PolyPhen-2: "Benign"; Align-GVGD: "Not Available". The serine amino acid residue is found in multiple mammalian species, which suggests that this missense change does not adversely affect protein function. In summary, the available evidence is currently insufficient to determine the role of this variant in disease. Therefore, it has been classified as a Variant of Uncertain Significance.

NM_020949.3(SLC7A14):c.1376G>C (p.Cys459Ser)

Genes: SLC7A14 (solute carrier family 7 member 14; minus strand), SLC7A14-AS1 (SLC7A14 antisense RNA 1; plus strand). Cytogenetic location: 3q26.2.
Variant type: single nucleotide variant.
Coding change: c.1376G>C on transcript NM_020949.3 (MANE Select); coding-DNA position 1376, G replaced by C.
Protein change: p.Cys459Ser; replaces cysteine 459 with serine.
Molecular consequence: missense variant.
Genome position (GRCh38, 1-based): chr3:170,480,906, C>G on the plus strand (G>C on the coding strand, the complement: SLC7A14 is on the minus strand). VCF-style: chr3-170480906-C-G. GRCh37 (hg19) VCF-style: chr3-170198695-C-G.
Other names: short protein forms C459S.
Identifiers: ClinVar variation 3685496 (VCV003685496.2).